The following is an entry in ClinVar:

NM_001032386.2(SUOX):c.769G>A (p.Glu257Lys)

Gene: SUOX (sulfite oxidase; plus strand). Cytogenetic location: 12q13.2.
Variant type: single nucleotide variant.
Coding change: c.769G>A on transcript NM_001032386.2 (MANE Select); coding-DNA position 769, G replaced by A.
Protein change: p.Glu257Lys; replaces glutamic acid 257 with lysine.
Molecular consequence: missense variant.
Genome position (GRCh38, 1-based): chr12:56,004,158, G>A. VCF-style: chr12-56004158-G-A. GRCh37 (hg19) VCF-style: chr12-56397942-G-A.
Other names: c.769G>A, p.Glu257Lys (NM_000456.3, NM_001032387.2); short protein forms E257K.
Identifiers: ClinVar variation 957843 (VCV000957843.8), dbSNP rs1890644655, ClinGen allele CA385287509.

ClinVar aggregate classification (germline): Uncertain significance (1 of 4 stars; one submission).

Conditions:
Sulfite oxidase deficiency. Also called: Isolated sulfite oxidase deficiency. Identifiers: Orphanet 833, Orphanet 99731, MedGen C0268624, MONDO:0010089, OMIM 272300, HP:0003643.

Allele frequency attached by ClinVar (database versions not stated): gnomAD 0.00001; gnomAD exomes 0.00001; TOPMed 0.00002.

Submission:

Labcorp Genetics (formerly Invitae), Labcorp
Classification: Uncertain significance for Sulfite oxidase deficiency. Last evaluated: 2022-08-21. Review status: criteria provided, single submitter. Criteria: Invitae Variant Classification Sherloc (09022015). Collection method: clinical testing. Allele origin: germline.
Comment: This sequence change replaces glutamic acid, which is acidic and polar, with lysine, which is basic and polar, at codon 257 of the SUOX protein (p.Glu257Lys). This variant is not present in population databases (gnomAD no frequency). This variant has not been reported in the literature in individuals affected with SUOX-related conditions. ClinVar contains an entry for this variant (Variation ID: 957843). Algorithms developed to predict the effect of missense changes on protein structure and function (SIFT, PolyPhen-2, Align-GVGD) all suggest that this variant is likely to be tolerated. In summary, the available evidence is currently insufficient to determine the role of this variant in disease. Therefore, it has been classified as a Variant of Uncertain Significance.